The following is an entry in ClinVar:

ClinVar aggregate classification (germline): Likely pathogenic (1 of 4 stars; one submission).

Allele frequency attached by ClinVar (database versions not stated): gnomAD 0.00001; gnomAD exomes 0.00001; TOPMed 0.00001; ExAC 0.00002.
gnomAD v4.1: 17 of 1,613,852 alleles (0.0011%); highest among the groups gnomAD compares: South Asian, 0.016%; no homozygotes.

Submission:

Labcorp Genetics (formerly Invitae), Labcorp
Classification: Likely pathogenic. Last evaluated: 2024-01-04. Review status: criteria provided, single submitter. Criteria: Invitae Variant Classification Sherloc (09022015). Collection method: clinical testing. Allele origin: germline.
Comment: This sequence change replaces tyrosine, which is neutral and polar, with aspartic acid, which is acidic and polar, at codon 650 of the WFS1 protein (p.Tyr650Asp). This variant is present in population databases (rs759581954, gnomAD 0.02%). This variant has not been reported in the literature in individuals affected with WFS1-related conditions. Advanced modeling of protein sequence and biophysical properties (such as structural, functional, and spatial information, amino acid conservation, physicochemical variation, residue mobility, and thermodynamic stability) performed at Invitae indicates that this missense variant is expected to disrupt WFS1 protein function with a positive predictive value of 95%. This variant disrupts the p.Tyr650 amino acid residue in WFS1. Other variant(s) that disrupt this residue have been determined to be pathogenic (PMID: 27395765; Invitae). This suggests that this residue is clinically significant, and that variants that disrupt this residue are likely to be disease-causing. In summary, the currently available evidence indicates that the variant is pathogenic, but additional data are needed to prove that conclusively. Therefore, this variant has been classified as Likely Pathogenic.

Literature cited by the submitters: PubMed 27395765.

NM_006005.3(WFS1):c.1948T>G (p.Tyr650Asp)

Gene: WFS1 (wolframin ER transmembrane glycoprotein; plus strand). Cytogenetic location: 4p16.1.
Variant type: single nucleotide variant.
Coding change: c.1948T>G on transcript NM_006005.3 (MANE Select); coding-DNA position 1948, T replaced by G.
Protein change: p.Tyr650Asp; replaces tyrosine 650 with aspartic acid.
Molecular consequence: missense variant.
Genome position (GRCh38, 1-based): chr4:6,301,743, T>G. VCF-style: chr4-6301743-T-G. GRCh37 (hg19) VCF-style: chr4-6303470-T-G.
Other names: c.1948T>G, p.Tyr650Asp (NM_001145853.1); short protein forms Y650D.
Identifiers: ClinVar variation 2783903 (VCV002783903.3), dbSNP rs759581954, ClinGen allele CA2839555.
Genomic context (GRCh38, chr4:6,301,743, plus strand): 5'-AGCTCCATGGTCAAGCTCATCCTGGTGTGGCTCACGGCCATCGTGCTGTTCTGCTGGTTC[T>G]ATGTGTACCGCTCAGAGGGCATGAAGGTCTACAACTCCACACTGACCTGGCAGCAGTATG-3'
Protein context (NP_005996.2, residues 640-660): LTAIVLFCWF[Tyr650Asp]VYRSEGMKVY